The following is an entry in ClinVar:

NM_004370.6(COL12A1):c.7178A>T (p.Asn2393Ile)

Genes: COL12A1 (collagen type XII alpha 1 chain; minus strand), LOC126859712 (MED14-independent group 3 enhancer GRCh37_chr6:75828643-75829842; plus strand). Cytogenetic location: 6q13.
Variant type: single nucleotide variant.
Coding change: c.7178A>T on transcript NM_004370.6 (MANE Select); coding-DNA position 7178, A replaced by T.
Protein change: p.Asn2393Ile; replaces asparagine 2393 with isoleucine.
Molecular consequence: missense variant.
Genome position (GRCh38, 1-based): chr6:75,119,382, T>A on the plus strand (A>T on the coding strand, the complement: COL12A1 is on the minus strand). VCF-style: chr6-75119382-T-A. GRCh37 (hg19) VCF-style: chr6-75829098-T-A.
Other names: c.3686A>T, p.Asn1229Ile (NM_001424116.1, NM_080645.3); c.7157A>T, p.Asn2386Ile (NM_001424114.1); c.6905A>T, p.Asn2302Ile (NM_001424115.1); c.7178A>T, p.Asn2393Ile (NM_001424113.1); short protein forms N1229I, N2302I, N2386I, N2393I.
Identifiers: ClinVar variation 4687237 (VCV004687237.2).
Genomic context (GRCh38, chr6:75,119,382, plus strand): 5'-AAGAGTAAAGGTCTACATATACACATACCTGTTCTTGTGTTTCCTCCTCTGTACCTAATA[T>A]TCTGGAGGGCCCCAAGGGCTAGGGCCTTGTCATTGTACGTGTTCAGCTTGAACTCAGACT-3'
Protein context (NP_004361.3, residues 2383-2403): DKALALGALQ[Asn2393Ile]IRYRGGNTRT

ClinVar aggregate classification (germline): Uncertain significance. Review status: criteria provided, multiple submitters, no conflicts (2 of 4 stars). 2 submissions from 2 submitters: Uncertain significance (2). Last evaluated 2025-10-16.

Conditions:
Ullrich congenital muscular dystrophy 2 (UCMD2). Identifiers: Orphanet 75840, MedGen C4225314, MONDO:0014654, OMIM 616470.
Bethlem myopathy 2 (BTHLM2). Identifiers: Orphanet 536516, Orphanet 610, MedGen C4225313, MONDO:0034022, OMIM 616471.

gnomAD v4.1: 1 of 1,613,900 alleles (0.000062%); highest among the groups gnomAD compares: Non-Finnish European, 0.000085%; no homozygotes.

Submissions (2):

Women's Health and Genetics/Laboratory Corporation of America, LabCorp
Classification: Uncertain significance. Last evaluated: 2025-10-16. Review status: criteria provided, single submitter. Criteria: LabCorp Variant Classification Summary - May 2015. Collection method: clinical testing. Allele origin: germline.
Comment: Variant summary: COL12A1 c.7178A>T (p.Asn2393Ile) results in a non-conservative amino acid change located in the von Willebrand factor, type A domain (IPR002035) of the encoded protein sequence. Algorithms developed to predict the effect of missense changes on protein structure and function all suggest that this variant is likely to be disruptive. The variant allele was found at a frequency of 4e-06 in 248998 control chromosomes. The available data on variant occurrences in the general population are insufficient to allow any conclusion about variant significance. To our knowledge, no occurrence of c.7178A>T in individuals affected with COL12A1-related conditions and no experimental evidence demonstrating its impact on protein function have been reported. No submitters have cited clinical-significance assessments for this variant to ClinVar. Based on the evidence outlined above, the variant was classified as uncertain significance.

Labcorp Genetics (formerly Invitae), Labcorp
Classification: Uncertain significance for Bethlem myopathy 2; Ullrich congenital muscular dystrophy 2. Last evaluated: 2025-05-05. Review status: criteria provided, single submitter. Criteria: Invitae Variant Classification Sherloc (09022015). Collection method: clinical testing. Allele origin: germline.
Comment: This sequence change replaces asparagine, which is neutral and polar, with isoleucine, which is neutral and non-polar, at codon 2393 of the COL12A1 protein (p.Asn2393Ile). This variant is present in population databases (rs762896716, gnomAD 0.0009%). This variant has not been reported in the literature in individuals affected with COL12A1-related conditions. Invitae Evidence Modeling of protein sequence and biophysical properties (such as structural, functional, and spatial information, amino acid conservation, physicochemical variation, residue mobility, and thermodynamic stability) indicates that this missense variant is not expected to disrupt COL12A1 protein function with a negative predictive value of 80%. In summary, the available evidence is currently insufficient to determine the role of this variant in disease. Therefore, it has been classified as a Variant of Uncertain Significance.